The following is an entry in ClinVar:

NM_024548.4(CEP97):c.2473T>G (p.Ser825Ala)

Gene: CEP97 (centrosomal protein 97; plus strand). Cytogenetic location: 3q12.3.
Variant type: single nucleotide variant.
Coding change: c.2473T>G on transcript NM_024548.4 (MANE Select); coding-DNA position 2473, T replaced by G.
Protein change: p.Ser825Ala; replaces serine 825 with alanine.
Molecular consequence: missense variant.
Genome position (GRCh38, 1-based): chr3:101,765,426, T>G. VCF-style: chr3-101765426-T-G. GRCh37 (hg19) VCF-style: chr3-101484270-T-G.
Other names: c.2296T>G, p.Ser766Ala (NM_001303401.2); c.2371T>G, p.Ser791Ala (NM_001410784.1); c.2194T>G, p.Ser732Ala (NM_001410785.1); short protein forms S825A, S791A, S732A, S766A.
Identifiers: ClinVar variation 2139096 (VCV002139096.4), dbSNP rs200872104, ClinGen allele CA2522333.
Genomic context (GRCh38, chr3:101,765,426, plus strand): 5'-TTCCCAGTACAGTTAGATACATTGTCTGACGGTGCTTCTGTAGATGAGAGTCATGGCATA[T>G]CTCCTCCTTTGCAAGGTGAAATTAGCCAGACACAAGAGAATTCTAAATTAAATGCAGAAG-3'
Protein context (NP_078824.2, residues 815-835): GASVDESHGI[Ser825Ala]PPLQGEISQT

ClinVar aggregate classification (germline): Uncertain significance (1 of 4 stars; one submission).

Allele frequency attached by ClinVar (database versions not stated): ExAC 0.00015; TOPMed 0.00016; gnomAD 0.00020; gnomAD exomes 0.00027; ESP Exome Variant Server 0.00031.
gnomAD v4.1: 414 of 1,614,018 alleles (0.026%); highest among the groups gnomAD compares: Non-Finnish European, 0.034%; no homozygotes.

Submission:

Labcorp Genetics (formerly Invitae), Labcorp
Classification: Uncertain significance. Last evaluated: 2025-08-07. Review status: criteria provided, single submitter. Criteria: Invitae Variant Classification Sherloc (09022015). Collection method: clinical testing. Allele origin: germline.
Comment: This sequence change replaces serine, which is neutral and polar, with alanine, which is neutral and non-polar, at codon 825 of the CEP97 protein (p.Ser825Ala). This variant is present in population databases (rs200872104, gnomAD 0.03%). This variant has not been reported in the literature in individuals affected with CEP97-related conditions. ClinVar contains an entry for this variant (Variation ID: 2139096). Invitae Evidence Modeling of protein sequence and biophysical properties (such as structural, functional, and spatial information, amino acid conservation, physicochemical variation, residue mobility, and thermodynamic stability) indicates that this missense variant is not expected to disrupt CEP97 protein function with a negative predictive value of 80%. In summary, the available evidence is currently insufficient to determine the role of this variant in disease. Therefore, it has been classified as a Variant of Uncertain Significance.